The following is an entry in ClinVar:

NM_001868.4(CPA1):c.293A>G (p.Asp98Gly)

Gene: CPA1 (carboxypeptidase A1; plus strand). Cytogenetic location: 7q32.2.
Variant type: single nucleotide variant.
Coding change: c.293A>G on transcript NM_001868.4 (MANE Select); coding-DNA position 293, A replaced by G.
Protein change: p.Asp98Gly; replaces aspartic acid 98 with glycine.
Molecular consequence: missense variant.
Genome position (GRCh38, 1-based): chr7:130,381,775, A>G. VCF-style: chr7-130381775-A-G. GRCh37 (hg19) VCF-style: chr7-130021616-A-G.
Other names: short protein forms D98G.
Identifiers: ClinVar variation 4233094 (VCV004233094.1).
Genomic context (GRCh38, chr7:130,381,775, plus strand): 5'-TTCTGGAGTCCCACGGCATCAGCTATGAGACCATGATCGAGGACGTGCAGTCGCTGCTGG[A>G]CGAGGAGCAGGAGCAGATGTTCGCCTTCCGGTCCCGGGCGCGCTCCACCGACACTTTTAA-3'
Protein context (NP_001859.1, residues 88-108): TMIEDVQSLL[Asp98Gly]EEQEQMFAFR

ClinVar aggregate classification (germline): Uncertain significance (1 of 4 stars; one submission).

Conditions:
Hereditary pancreatitis (PCTT). Also called: Hereditary chronic pancreatitis; PRSS1-Related Hereditary Pancreatitis. Identifiers: Orphanet 676, MedGen C0238339, MONDO:0008185, OMIM 167800.

Submission:

Ambry Genetics
Classification: Uncertain significance for Hereditary pancreatitis. Last evaluated: 2025-07-19. Review status: criteria provided, single submitter. Criteria: Ambry Variant Classification Scheme 2023. Collection method: clinical testing. Allele origin: germline.
Comment: The p.D98G variant (also known as c.293A>G), located in coding exon 3 of the CPA1 gene, results from an A to G substitution at nucleotide position 293. The aspartic acid at codon 98 is replaced by glycine, an amino acid with similar properties. This amino acid position is conserved. In addition, this alteration is predicted to be tolerated by in silico analysis. Based on the available evidence, the clinical significance of this variant remains unclear.